The following is an entry in ClinVar:

ClinVar aggregate classification (germline): Pathogenic (1 of 4 stars; one submission).

Conditions:
Carney complex, type 1 (CNC1). Also called: CARNEY MYXOMA-ENDOCRINE COMPLEX; CARNEY COMPLEX, TYPE I. Identifiers: Orphanet 1359, MedGen C2607929, MONDO:0008057, OMIM 160980.

Submission:

Labcorp Genetics (formerly Invitae), Labcorp
Classification: Pathogenic for Carney complex, type 1. Last evaluated: 2021-02-13. Review status: criteria provided, single submitter. Criteria: Invitae Variant Classification Sherloc (09022015). Collection method: clinical testing. Allele origin: germline.
Comment: This sequence change creates a premature translational stop signal (p.Gln64Alafs*13) in the PRKAR1A gene. It is expected to result in an absent or disrupted protein product. Loss-of-function variants in PRKAR1A are known to be pathogenic (PMID: 11115848, 19293268). This variant is not present in population databases (ExAC no frequency). This variant has not been reported in the literature in individuals with PRKAR1A-related conditions. For these reasons, this variant has been classified as Pathogenic.

Literature cited by the submitters: PubMed 11115848; PubMed 19293268.

NM_002734.5(PRKAR1A):c.190_203del (p.Gln64fs)

Gene: PRKAR1A (protein kinase cAMP-dependent type I regulatory subunit alpha; plus strand). Cytogenetic location: 17q24.2.
Variant type: Deletion.
Coding change: c.190_203del on transcript NM_002734.5 (MANE Select); coding-DNA positions 190 to 203, 14 bases deleted (CAGATTCAGAATCT).
Protein change: p.Gln64fs; shifts the reading frame from glutamine 64.
Molecular consequence: frameshift variant.
Genome position (GRCh38, 1-based): chr17:68,522,768-68,522,781, CAGATTCAGAATCT deleted. VCF-style (leftmost placement, unchanged base first): chr17-68522767-ACAGATTCAGAATCT-A. GRCh37 (hg19) VCF-style: chr17-66518908-ACAGATTCAGAATCT-A.
Other names: c.190_203del, p.Gln64fs (NM_001276289.2, NM_001276290.1, NM_001278433.2 and 4 more transcripts); short protein forms Q64fs.
Identifiers: ClinVar variation 1352652 (VCV001352652.6), dbSNP rs2143272157, ClinGen allele CA2573154759.